The following is an entry in ClinVar:

ClinVar aggregate classification (germline): Pathogenic. Review status: criteria provided, multiple submitters, no conflicts (2 of 4 stars). 9 submissions from 9 submitters: Pathogenic (6). 3 of the submissions do not count toward it. Last evaluated 2025-10-21.

Conditions:
SLC46A1-related disorder. Also called: SLC46A1-related condition.
Inborn genetic diseases. Identifiers: MedGen C0950123, MeSH D030342.
Congenital defect of folate absorption. Also called: Hereditary Folate Malabsorption. Identifiers: Orphanet 90045, MedGen C0342705, MONDO:0009238, OMIM 229050.

Allele frequency attached by ClinVar (database versions not stated): gnomAD exomes below 0.00001 and 0.00001; gnomAD 0.00003; TOPMed 0.00016.
gnomAD v4.1: 20 of 1,612,562 alleles (0.0012%); highest among the groups gnomAD compares: Admixed American, 0.03%; no homozygotes.

Submissions (9):

Labcorp Genetics (formerly Invitae), Labcorp
Classification: Pathogenic. Last evaluated: 2025-10-21. Review status: criteria provided, single submitter. Criteria: Invitae Variant Classification Sherloc (09022015). Collection method: clinical testing. Allele origin: germline.
Comment: This sequence change affects an acceptor splice site in intron 2 of the SLC46A1 gene. RNA analysis indicates that disruption of this splice site induces altered splicing and likely results in a shortened protein product. This variant is present in population databases (rs80338775, gnomAD 0.006%). Disruption of this splice site has been observed in individual(s) with hereditary folate malabsorption syndrome (PMID: 17129779, 19740703, 21489556). It has also been observed to segregate with disease in related individuals. This variant is also known as p.Tyr362_Gly389del. ClinVar contains an entry for this variant (Variation ID: 850). Algorithms developed to predict the effect of variants on gene product structure and function are not available or were not evaluated for this variant. Experimental studies have shown that disruption of this splice site affects SLC46A1 function (PMID: 17129779). Studies have shown that disruption of this splice site results in skipping of exon 3, but is expected to preserve the integrity of the reading-frame (PMID: 17129779). For these reasons, this variant has been classified as Pathogenic.

Women's Health and Genetics/Laboratory Corporation of America, LabCorp
Classification: Pathogenic for Congenital defect of folate absorption. Last evaluated: 2024-01-12. Review status: criteria provided, single submitter. Criteria: LabCorp Variant Classification Summary - May 2015. Collection method: clinical testing. Allele origin: germline.
Comment: Variant summary: SLC46A1 c.1082-1G>A is located in a canonical splice-site and is predicted to affect mRNA splicing resulting in a significantly altered protein due to either exon skipping, shortening, or inclusion of intronic material. Several computational tools predict a significant impact on normal splicing: Four predict the variant abolishes a 3' acceptor site. Three predict the variant creates a 3' cryptic acceptor site. At least one publication reports experimental evidence that this variant affects mRNA splicing and results in skipping of exon 3 and consequent in-frame deletion (Qiu_2006). The variant allele was found at a frequency of 4.1e-06 in 244488 control chromosomes (gnomAD). c.1082-1G>A has been reported in the literature in multiple individuals affected with Congenital Defect Of Folate Absorption (Qiu_2006, Mahadeo_2011). These data indicate that the variant is very likely to be associated with disease. At least one publication reports experimental evidence evaluating an impact on protein function and this variant results in reduced protein expression and trapped intracellularly without detectable localization to the cell membrane (Qiu_2006). The following publications have been ascertained in the context of this evaluation (PMID: 21489556, 17129779). ClinVar contains an entry for this variant (Variation ID: 850). Based on the evidence outlined above, the variant was classified as pathogenic.

GeneDx
Classification: Pathogenic. Last evaluated: 2023-09-26. Review status: criteria provided, single submitter. Criteria: GeneDx Variant Classification Process June 2021. Collection method: clinical testing. Allele origin: germline. Affected: yes.
Comment: Published functional studies demonstrate a damaging effect on transport function (Qiu et al., 2006); Not observed at significant frequency in large population cohorts (gnomAD); Canonical splice site variant with an unclear effect on protein function; This variant is associated with the following publications: (PMID: 17129779, 11807405, 20301716, 22454052, 23816405, 19740703, 20005757, 19176287, 21489556)

Ambry Genetics
Classification: Pathogenic for Inborn genetic diseases. Last evaluated: 2022-10-25. Review status: criteria provided, single submitter. Criteria: Ambry Variant Classification Scheme 2023. Collection method: clinical testing. Allele origin: germline.
Comment: The c.1082-1G>A intronic alteration consists of a G to A substitution one nucleotide before exon 3 (coding exon 3) of the SLC46A1 gene. Alterations that disrupt the canonical splice site are expected to result in aberrant splicing. Based on data from gnomAD, the A allele has an overall frequency of 0.001% (2/275882) total alleles studied. This variant has been identified in the homozygous state in multiple individuals diagnosed with hereditary folate malabsorption (Mahadeo, 2011; Borzutzky, 2009; Geller, 2002). This nucleotide position is highly conserved in available vertebrate species. RNA studies demonstrate this alteration leads to abnormal splicing in the set of samples tested (Qiu, 2006). In silico splice site analysis predicts that this alteration will weaken the native splice acceptor site. Based on the available evidence, this alteration is classified as pathogenic.

Blueprint Genetics
Classification: Pathogenic for SLC46A1-related disorders. Last evaluated: 2021-03-19. Review status: criteria provided, single submitter. Criteria: ACMG Guidelines, 2015. Collection method: clinical testing. Allele origin: germline. Affected: yes. Observed: 5 variant alleles.

Baylor Genetics
Classification: Pathogenic for Congenital defect of folate absorption. Last evaluated: 2020-11-05. Review status: criteria provided, single submitter. Criteria: ACMG Guidelines, 2015. Collection method: clinical testing. Allele origin: unknown. Affected: yes.
Comment: This variant was determined to be pathogenic according to ACMG Guidelines, 2015 [PMID:25741868].

PreventionGenetics, part of Exact Sciences
Classification: Pathogenic for SLC46A1-related condition. Last evaluated: 2024-06-14. Review status: no assertion criteria provided. Collection method: clinical testing. Allele origin: germline. Not counted in ClinVar's aggregate classification.
Comment: The SLC46A1 c.1082-1G>A variant is predicted to disrupt the AG splice acceptor site and interfere with normal splicing. This is the most commonly reported causative variant in the SLC46A1 gene; it has been documented in many individuals of Puerto Rican descent (Mahadeo et al. 2011. PubMed ID: 21489556). This variant has been shown to lead to skipping of exon 3 and an in-frame deletion of 28 amino acids (p.Tyr362_Gly389del, Qiu et al. 2006. PubMed ID: 17129779, referred to as G>A at position 5882 in GenBank accession DQ496103). This variant is interpreted as pathogenic.

OMIM
Classification: Pathogenic for FOLATE MALABSORPTION, HEREDITARY. Last evaluated: 2006-12-01. Review status: no assertion criteria provided. Collection method: literature only. Allele origin: germline. Not counted in ClinVar's aggregate classification.

GeneReviews
No classification provided. Condition: Congenital defect of folate absorption. Review status: no classification provided. Collection method: literature only. Allele origin: germline. Not counted in ClinVar's aggregate classification.
Comment: In-frame deletion resulting from skipping of exon 3 was detected in cDNA from transformed lymphocytes of individuals with HFM (Qiu et al 2006); the resulting transcript variant is BC01069.1. The same pathogenic variant identified in a total of ten unrelated families of Puerto Rican ancestry (Qiu et al 2006, Borzutzky et al 2009, Mahadeo et al 2011, Zhao et al 2017).

Literature cited by the submitters: PubMed 17129779 (cited by 5 submitters); PubMed 19740703 (cited by 3 submitters); PubMed 21489556 (cited by 4 submitters); PubMed 11807405 (cited by Ambry Genetics and OMIM); PubMed 27664775 (cited by GeneReviews); PubMed 20301716 (cited by GeneReviews).

NM_080669.6(SLC46A1):c.1082-1G>A

Genes: SARM1 (sterile alpha and TIR motif containing 1; plus strand), SLC46A1 (solute carrier family 46 member 1; minus strand). Cytogenetic location: 17q11.2.
Variant type: single nucleotide variant.
Coding change: c.1082-1G>A on transcript NM_080669.6 (MANE Select); the canonical splice acceptor site of the intron before coding-DNA position 1082, G replaced by A.
Molecular consequence: splice acceptor variant. On other transcripts: 3 prime UTR variant (1), intron variant (1).
Genome position (GRCh38, 1-based): chr17:28,402,322, C>T on the plus strand (G>A on the coding strand, the complement: SLC46A1 is on the minus strand). VCF-style: chr17-28402322-C-T. GRCh37 (hg19) VCF-style: chr17-26729340-C-T.
Other names: IVS2AS, G-A, -1; c.*6036C>T (NM_015077.4); c.1082-1556G>A (NM_001242366.3); c.1082-1G>A (NM_080669.5).
Identifiers: ClinVar variation 850 (VCV000000850.18), dbSNP rs80338775, ClinGen allele CA026495.